The following is an entry in ClinVar:

ClinVar aggregate classification (germline): Benign/Likely benign. Review status: criteria provided, multiple submitters, no conflicts (2 of 4 stars). 3 submissions from 3 submitters: Benign (1); Likely benign (2). Last evaluated 2024-11-14.

Conditions:
Hereditary cancer-predisposing syndrome. Also called: Hereditary Cancer Syndrome; Hereditary neoplastic syndrome; Tumor predisposition; Neoplastic Syndromes, Hereditary. Identifiers: Orphanet 140162, MedGen C0027672, MeSH D009386, MONDO:0015356.
Renal cell carcinoma. Identifiers: Orphanet 217071, MedGen C0007134, MeSH D002292, MONDO:0005086, HP:0005584.
Papillary renal cell carcinoma type 1 (RCCP1). Also called: RENAL CELL CARCINOMA, PAPILLARY, 1, SOMATIC; Renal adenocarcinoma; Renal cell carcinoma 1; Renal cell carcinoma, somatic. Identifiers: Orphanet 47044, MedGen C1336839, OMIM 605074, HP:0011797.

Allele frequency attached by ClinVar (database versions not stated): gnomAD exomes below 0.00001.
gnomAD v4.1: 2 of 1,614,114 alleles (0.00012%); highest among the groups gnomAD compares: African/African-American, 0.0027%; no homozygotes.

Submissions (3):

Myriad Genetics, Inc.
Classification: Benign for Papillary renal cell carcinoma type 1. Last evaluated: 2024-11-14. Review status: criteria provided, single submitter. Criteria: Myriad Autosomal Dominant, Autosomal Recessive and X-Linked Classification Criteria (2023). Collection method: clinical testing. Allele origin: unknown.
Comment: This variant is considered benign. This variant is a silent/synonymous amino acid change and it is not expected to impact splicing.

Ambry Genetics
Classification: Likely benign for Hereditary cancer-predisposing syndrome. Last evaluated: 2024-06-13. Review status: criteria provided, single submitter. Criteria: Ambry Variant Classification Scheme 2023. Collection method: clinical testing. Allele origin: germline.

Labcorp Genetics (formerly Invitae), Labcorp
Classification: Likely benign for Renal cell carcinoma. Last evaluated: 2023-11-24. Review status: criteria provided, single submitter. Criteria: Invitae Variant Classification Sherloc (09022015). Collection method: clinical testing. Allele origin: germline.

NM_000245.4(MET):c.3783C>G (p.Thr1261=)

Gene: MET (MET proto-oncogene, receptor tyrosine kinase; plus strand). Cytogenetic location: 7q31.2.
Variant type: single nucleotide variant.
Coding change: c.3783C>G on transcript NM_000245.4 (MANE Select); coding-DNA position 3783, C replaced by G.
Protein change: p.Thr1261=; no amino-acid change (threonine 1261 retained).
Molecular consequence: synonymous variant.
Genome position (GRCh38, 1-based): chr7:116,783,454, C>G. VCF-style: chr7-116783454-C-G. GRCh37 (hg19) VCF-style: chr7-116423508-C-G.
Other names: c.3837C>G, p.Thr1279= (NM_001127500.3); c.2493C>G, p.Thr831= (NM_001324402.2).
Identifiers: ClinVar variation 2900470 (VCV002900470.5), dbSNP rs1795213981, ClinGen allele CA457219542.
Genomic context (GRCh38, chr7:116,783,454, plus strand): 5'-AGGTGCAAAGCTGCCAGTGAAGTGGATGGCTTTGGAAAGTCTGCAAACTCAAAAGTTTAC[C>G]ACCAAGTCAGATGTGGTAATGTATTGGTTATCTCTGAGTTTCTCCTCTTTTACTTTCATA-3'
Protein context (NP_000236.2, residues 1251-1271): ALESLQTQKF[Thr1261=]TKSDVWSFGV